The following is an entry in ClinVar:

NM_194277.3(FRMD7):c.848A>T (p.Glu283Val)

Gene: FRMD7 (FERM domain containing 7; minus strand). Cytogenetic location: Xq26.2.
Variant type: single nucleotide variant.
Coding change: c.848A>T on transcript NM_194277.3 (MANE Select); coding-DNA position 848, A replaced by T.
Protein change: p.Glu283Val; replaces glutamic acid 283 with valine.
Molecular consequence: missense variant.
Genome position (GRCh38, 1-based): chrX:132,082,420, T>A on the plus strand (A>T on the coding strand, the complement: FRMD7 is on the minus strand). VCF-style: chrX-132082420-T-A. GRCh37 (hg19) VCF-style: chrX-131216448-T-A.
Other names: c.803A>T, p.Glu268Val (NM_001306193.2); short protein forms E268V, E283V.
Identifiers: ClinVar variation 2038121 (VCV002038121.4), dbSNP rs2520731033, ClinGen allele CA414680430.
Genomic context (GRCh38, chrX:132,082,420, plus strand): 5'-TACCTATAGCGGAAACTGGAACCCTTGCTGCAGAGTAGGGTTTTGGGCTTTGATTTGGGC[T>A]CTTCCGAAAGCCTGAAGAAAGCATGGTATTCCACACAAGTCTTCCAGAAAGCCTTGCAGG-3'
Protein context (NP_919253.1, residues 273-293): EYHAFFRLSE[Glu283Val]PKSKPKTLLC

ClinVar aggregate classification (germline): Uncertain significance (1 of 4 stars; one submission).

Submission:

Labcorp Genetics (formerly Invitae), Labcorp
Classification: Uncertain significance. Last evaluated: 2021-12-08. Review status: criteria provided, single submitter. Criteria: Invitae Variant Classification Sherloc (09022015). Collection method: clinical testing. Allele origin: germline.
Comment: In summary, the available evidence is currently insufficient to determine the role of this variant in disease. Therefore, it has been classified as a Variant of Uncertain Significance. Algorithms developed to predict the effect of missense changes on protein structure and function are either unavailable or do not agree on the potential impact of this missense change (SIFT: "Deleterious"; PolyPhen-2: "Probably Damaging"; Align-GVGD: "Class C15"). This variant has not been reported in the literature in individuals affected with FRMD7-related conditions. This variant is not present in population databases (gnomAD no frequency). This sequence change replaces glutamic acid, which is acidic and polar, with valine, which is neutral and non-polar, at codon 283 of the FRMD7 protein (p.Glu283Val).